The following is an entry in ClinVar:

NM_000059.4(BRCA2):c.8183T>C (p.Val2728Ala)

Gene: BRCA2 (BRCA2 DNA repair associated; plus strand). Cytogenetic location: 13q13.1.
Variant type: single nucleotide variant.
Coding change: c.8183T>C on transcript NM_000059.4 (MANE Select); coding-DNA position 8183, T replaced by C.
Protein change: p.Val2728Ala; replaces valine 2728 with alanine.
Molecular consequence: missense variant.
Genome position (GRCh38, 1-based): chr13:32,363,385, T>C. VCF-style: chr13-32363385-T-C. GRCh37 (hg19) VCF-style: chr13-32937522-T-C.
Other names: short protein forms V2728A.
Identifiers: ClinVar variation 141399 (VCV000141399.25), dbSNP rs587781719, ClinGen allele CA025496.
Genomic context (GRCh38, chr13:32,363,385, plus strand): 5'-CTAGTAGTGCAGATACCCAAAAAGTGGCCATTATTGAACTTACAGATGGGTGGTATGCTG[T>C]TAAGGCCCAGTTAGATCCTCCCCTCTTAGCTGTCTTAAAGAATGGCAGACTGACAGTTGG-3'
Protein context (NP_000050.3, residues 2718-2738): IIELTDGWYA[Val2728Ala]KAQLDPPLLA

ClinVar aggregate classification (germline): Conflicting classifications of pathogenicity. Review status: criteria provided, conflicting classifications (1 of 4 stars). 10 submissions from 10 submitters: Uncertain significance (8); Likely benign (1). 1 of the submissions does not count toward it. Last evaluated 2025-09-30.

Conditions:
Hereditary cancer-predisposing syndrome. Also called: Neoplastic Syndromes, Hereditary; Hereditary neoplastic syndrome; Hereditary Cancer Syndrome; Tumor predisposition. Identifiers: Orphanet 140162, MedGen C0027672, MeSH D009386, MONDO:0015356.
Familial prostate cancer. Also called: Hereditary Prostate Cancer. Identifiers: MedGen C2931456, MONDO:0700275, OMIM 176807.
Hereditary breast ovarian cancer syndrome. Also called: Breast and ovarian cancer; Hereditary breast and/or ovarian cancer syndrome; Hereditary breast and ovarian cancer syndrome; Hereditary breast and ovarian cancer syndrome (HBOC); Hereditary breast and ovarian cancer; BRCA1- and BRCA2-Associated Hereditary Breast and Ovarian Cancer. Identifiers: Orphanet 145, MedGen C0677776, MeSH D061325, MONDO:0003582. Disease mechanism: loss of function.
Breast-ovarian cancer, familial, susceptibility to, 2 (BROVCA2). Also called: BRCA2 Hereditary Breast and Ovarian Cancer. Identifiers: Orphanet 145, MedGen C2675520, MONDO:0012933, OMIM 612555. Disease mechanism: loss of function.

Allele frequency attached by ClinVar (database versions not stated): gnomAD exomes below 0.00001; gnomAD 0.00001; TOPMed 0.00001.

Submissions (10):

Color Diagnostics, LLC DBA Color Health
Classification: Uncertain significance for Hereditary cancer-predisposing syndrome. Last evaluated: 2025-09-30. Review status: criteria provided, single submitter. Criteria: ACMG Guidelines, 2015. Collection method: clinical testing. Allele origin: germline.
Comment: This missense variant replaces valine with alanine at codon 2728 of the BRCA2 protein. Computational prediction suggests that this variant may not impact protein structure and function. Functional studies have reported that this variant does not impact BRCA2 in homology-directed DNA repair assays, sensitivity assays to cisplatin and PARP inhibitor and in a haploid cell proliferation assay (PMID: 33609447, 35736817, 39779848, 39779857). Multifactorial analysis on clinical data has reached a combined likelihood ratio (LR) of 1.646 from published LR for 1 carrier (PMID: 31853058). This variant has been identified in 4/1614072 chromosomes in the general population by the Genome Aggregation Database (gnomAD). The available evidence is insufficient to determine the role of this variant in disease conclusively. Therefore, this variant is classified as a Variant of Uncertain Significance.

Labcorp Genetics (formerly Invitae), Labcorp
Classification: Uncertain significance for Hereditary breast ovarian cancer syndrome. Last evaluated: 2025-08-21. Review status: criteria provided, single submitter. Criteria: Invitae Variant Classification Sherloc (09022015). Collection method: clinical testing. Allele origin: germline.
Comment: This sequence change replaces valine, which is neutral and non-polar, with alanine, which is neutral and non-polar, at codon 2728 of the BRCA2 protein (p.Val2728Ala). This variant is present in population databases (rs587781719, gnomAD 0.01%). This missense change has been observed in individual(s) with an unspecified cancer (PMID: 34326862). ClinVar contains an entry for this variant (Variation ID: 141399). Invitae Evidence Modeling incorporating data from in vitro experimental studies (PMID: 33609447) indicates that this missense variant is not expected to disrupt BRCA2 function with a negative predictive value of 95%. Experimental studies have shown that this missense change does not substantially affect BRCA2 function (PMID: 33609447, 35736817). In summary, the available evidence is currently insufficient to determine the role of this variant in disease. Therefore, it has been classified as a Variant of Uncertain Significance.

Quest Diagnostics Nichols Institute San Juan Capistrano
Classification: Uncertain significance. Last evaluated: 2024-11-19. Review status: criteria provided, single submitter. Criteria: Quest Diagnostics criteria. Collection method: clinical testing. Allele origin: unknown.
Comment: The BRCA2 c.8183T>C (p.Val2728Ala) variant has been reported in the published literature in a study to evaluate for breast, ovarian, and prostate cancer genetic risk (PMID: 31415627 (2019)). This variant has also been identified an individual with an unspecified hereditary cancer (PMID: 34326862 (2021)). Additionally, a functional study suggests that the variant is not damaging to BRCA2 protein function (PMID: 33609447 (2021), 35736817 (2022)). The frequency of this variant in the general population, 0.000032 (1/31400 chromosomes (Genome Aggregation Database)), is uninformative in the assessment of its pathogenicity. Analysis of this variant using bioinformatics tools for the prediction of the effect of amino acid changes on protein structure and function yielded predictions that this variant is benign. Based on the available information, we are unable to determine the clinical significance of this variant.

Department of Pathology and Laboratory Medicine, Sinai Health System
Classification: Uncertain significance for Familial prostate cancer. Last evaluated: 2024-06-07. Review status: criteria provided, single submitter. Criteria: ACMG Guidelines, 2015. Collection method: clinical testing. Allele origin: germline. Affected: yes.

All of Us Research Program, National Institutes of Health
Classification: Uncertain significance for Breast-ovarian cancer, familial, susceptibility to, 2. Last evaluated: 2023-06-26. Review status: criteria provided, single submitter. Criteria: ACMG Guidelines, 2015. Collection method: clinical testing. Allele origin: germline. Inheritance: Autosomal dominant inheritance. Observed: 1 variant allele, 1 heterozygote.
Comment: This missense variant replaces valine with alanine at codon 2728 of the BRCA2 protein. Computational prediction is inconclusive regarding the impact of this variant on protein structure and function (internally defined REVEL score threshold 0.5 < inconclusive < 0.7, PMID: 27666373). Functional studies have shown that this variant does not impact homology-directed DNA repair activity (PMID: 33609447, 35736817). To our knowledge, this variant has not been reported in individuals affected with BRCA2-related disorders in the literature. This variant has been identified in 1/31400 chromosomes in the general population by the Genome Aggregation Database (gnomAD). The available evidence is insufficient to determine the role of this variant in disease conclusively. Therefore, this variant is classified as a Variant of Uncertain Significance.

This study involves interpretation of variants in research participants for the purpose of population health screening. Participant phenotype was not available at the time of variant classification. Additional details can be found in publication PMID: 35346344, PMCID: PMC8962531

GeneDx
Classification: Uncertain significance. Last evaluated: 2022-09-01. Review status: criteria provided, single submitter. Criteria: GeneDx Variant Classification Process June 2021. Collection method: clinical testing. Allele origin: germline. Affected: yes.
Comment: Observed in an individual with breast or ovarian cancer undergoing multi-gene hereditary cancer panel testing (Bishop et al., 2019); Published functional studies demonstrate no damaging effect: homology-directed repair activity similar to wild-type (Hart et al., 2020; Richardson et al., 2021); Not observed at significant frequency in large population cohorts (gnomAD); In silico analysis supports that this missense variant does not alter protein structure/function; Also known as 8411T>C; This variant is associated with the following publications: (PMID: 12228710, 33609447, 31415627, 32377563)

Sema4
Classification: Uncertain significance for Hereditary cancer-predisposing syndrome. Last evaluated: 2022-01-04. Review status: criteria provided, single submitter. Criteria: Sema4 Curation Guidelines. Collection method: curation. Allele origin: germline.
Comment: The BRCA2 c.8183T>C (p.V2728A) variant has been reported in at least one individual with breast cancer (PMID: 31415627). A homology-directed repair (HR) study demonstrated the normal function of the protein in the presence of the variant (PMID: 32377563, 33609447). It was observed in 1/8710 chromosomes of the African/African American subpopulation in the large and broad cohorts of the Genome Aggregation Database (PMID: 32461654). The variant has been reported in ClinVar (Variation ID 141399). In silico tools suggest the impact of the variant on protein function is inconclusive. The evidence is insufficient to meet ACMG/AMP criteria for classifying the variant as benign or pathogenic. Thus, the clinical significance of this variant is currently uncertain.

Women's Health and Genetics/Laboratory Corporation of America, LabCorp
Classification: Uncertain significance. Last evaluated: 2020-07-27. Review status: criteria provided, single submitter. Criteria: LabCorp Variant Classification Summary - May 2015. Collection method: clinical testing. Allele origin: germline.
Comment: Variant summary: BRCA2 c.8183T>C (p.Val2728Ala) results in a non-conservative amino acid change in the encoded protein sequence. Four of five in-silico tools predict a damaging effect of the variant on protein function. The variant was absent in 250884 control chromosomes. The available data on variant occurrences in the general population are insufficient to allow any conclusion about variant significance. c.8183T>C has been reported in the literature in at-least one individual in a study of cancer affected individuals from the Alabama hereditary cancer cohort (Bishop_2019). This report does not provide unequivocal conclusions about association of the variant with Hereditary Breast And Ovarian Cancer Syndrome. To our knowledge, no experimental evidence demonstrating an impact on protein function has been reported. Five clinical diagnostic laboratories have submitted clinical-significance assessments for this variant to ClinVar after 2014 without evidence for independent evaluation. All laboratories classified the variant as uncertain significance. Based on the evidence outlined above, the variant was classified as uncertain significance.

Ambry Genetics
Classification: Likely benign for Hereditary cancer-predisposing syndrome. Last evaluated: 2020-02-25. Review status: criteria provided, single submitter. Criteria: Ambry Variant Classification Scheme 2023. Collection method: clinical testing. Allele origin: germline.

Counsyl
Classification: Uncertain significance for Breast-ovarian cancer, familial, susceptibility to, 2. Last evaluated: 2018-02-28. Review status: no assertion criteria provided. Collection method: clinical testing. Allele origin: unknown. Not counted in ClinVar's aggregate classification.

Literature cited by the submitters: PubMed 31853058 (cited by Color Diagnostics, LLC DBA Color Health); PubMed 33609447 (cited by 6 submitters); PubMed 35736817 (cited by 4 submitters); PubMed 39779848 (cited by Color Diagnostics, LLC DBA Color Health); PubMed 39779857 (cited by Color Diagnostics, LLC DBA Color Health); PubMed 34326862 (cited by Labcorp Genetics (formerly Invitae), Labcorp and Quest Diagnostics Nichols Institute San Juan Capistrano); PubMed 32377563 (cited by Quest Diagnostics Nichols Institute San Juan Capistrano and Sema4); PubMed 31415627 (cited by 4 submitters).